The following is an entry in ClinVar:

ClinVar aggregate classification (germline): Uncertain significance (1 of 4 stars; one submission).

Conditions:
D-2-hydroxyglutaric aciduria 2 (D2HGA2). Identifiers: Orphanet 79315, MedGen C3150909, MONDO:0013345, OMIM 613657.

Submission:

Labcorp Genetics (formerly Invitae), Labcorp
Classification: Uncertain significance for D-2-hydroxyglutaric aciduria 2. Last evaluated: 2024-02-16. Review status: criteria provided, single submitter. Criteria: Invitae Variant Classification Sherloc (09022015). Collection method: clinical testing. Allele origin: germline.
Comment: This sequence change replaces threonine, which is neutral and polar, with serine, which is neutral and polar, at codon 366 of the IDH2 protein (p.Thr366Ser). This variant is not present in population databases (gnomAD no frequency). This variant has not been reported in the literature in individuals affected with IDH2-related conditions. Advanced modeling of protein sequence and biophysical properties (such as structural, functional, and spatial information, amino acid conservation, physicochemical variation, residue mobility, and thermodynamic stability) performed at Invitae indicates that this missense variant is not expected to disrupt IDH2 protein function with a negative predictive value of 80%. In summary, the available evidence is currently insufficient to determine the role of this variant in disease. Therefore, it has been classified as a Variant of Uncertain Significance.

NM_002168.4(IDH2):c.1096A>T (p.Thr366Ser)

Gene: IDH2 (isocitrate dehydrogenase (NADP(+)) 2; minus strand). Cytogenetic location: 15q26.1.
Variant type: single nucleotide variant.
Coding change: c.1096A>T on transcript NM_002168.4 (MANE Select); coding-DNA position 1096, A replaced by T.
Protein change: p.Thr366Ser; replaces threonine 366 with serine.
Molecular consequence: missense variant.
Genome position (GRCh38, 1-based): chr15:90,085,083, T>A on the plus strand (A>T on the coding strand, the complement: IDH2 is on the minus strand). VCF-style: chr15-90085083-T-A. GRCh37 (hg19) VCF-style: chr15-90628315-T-A.
Other names: c.940A>T, p.Thr314Ser (NM_001289910.1); c.706A>T, p.Thr236Ser (NM_001290114.2); short protein forms T314S, T366S, T236S.
Identifiers: ClinVar variation 3690371 (VCV003690371.2).
Genomic context (GRCh38, chr15:90,085,083, plus strand): 5'-CCAGCTTCCCCCGGTGCTCCAGGCCACGTGTCCAGGCAAAGATGCTGGCGATGGGGTTGG[T>A]GCTGGTGGGCCGGCCCTGGGGACGGGGGTTGCAGGGAGATCAAGAGCCGAGCCAGCTAGT-3'
Protein context (NP_002159.2, residues 356-376): REHQKGRPTS[Thr366Ser]NPIASIFAWT